The following is an entry in ClinVar:

NM_020693.4(DSCAML1):c.6127G>A (p.Ala2043Thr)

Gene: DSCAML1 (DS cell adhesion molecule like 1; minus strand). Cytogenetic location: 11q23.3.
Variant type: single nucleotide variant.
Coding change: c.6127G>A on transcript NM_020693.4 (MANE Select); coding-DNA position 6127, G replaced by A.
Protein change: p.Ala2043Thr; replaces alanine 2043 with threonine.
Molecular consequence: missense variant.
Genome position (GRCh38, 1-based): chr11:117,428,363, C>T on the plus strand (G>A on the coding strand, the complement: DSCAML1 is on the minus strand). VCF-style: chr11-117428363-C-T. GRCh37 (hg19) VCF-style: chr11-117299079-C-T.
Other names: c.6307G>A (NM_020693.3); short protein forms A2043T.
Identifiers: ClinVar variation 1587898 (VCV001587898.11), dbSNP rs143875346, ClinGen allele CA6295860.

ClinVar aggregate classification (germline): Likely benign. Review status: criteria provided, multiple submitters, no conflicts (2 of 4 stars). 3 submissions from 3 submitters: Likely benign (2). 1 of the submissions does not count toward it. Last evaluated 2026-01-18.

Conditions:
DSCAML1-related disorder. Also called: DSCAML1-related condition.

Allele frequency attached by ClinVar (database versions not stated): 1000 Genomes Project 30x 0.00047; 1000 Genomes Project 0.00060; ESP Exome Variant Server 0.00149; gnomAD 0.00189 and 0.00193.
gnomAD v4.1: 3,847 of 1,583,670 alleles (0.24%); highest among the groups gnomAD compares: Non-Finnish European, 0.3%; 16 homozygotes.

Submissions (3):

Labcorp Genetics (formerly Invitae), Labcorp
Classification: Likely benign. Last evaluated: 2026-01-18. Review status: criteria provided, single submitter. Criteria: Invitae Variant Classification Sherloc (09022015). Collection method: clinical testing. Allele origin: germline.

Breakthrough Genomics
Classification: Likely benign. Review status: criteria provided, single submitter. Criteria: ACMG Guidelines, 2015. Collection method: not provided. Allele origin: germline. Inheritance: Unknown mechanism. Affected: yes.

PreventionGenetics, part of Exact Sciences
Classification: Likely benign for DSCAML1-related condition. Last evaluated: 2023-04-20. Review status: no assertion criteria provided. Collection method: clinical testing. Allele origin: germline. Not counted in ClinVar's aggregate classification.
Comment: This variant is classified as likely benign based on ACMG/AMP sequence variant interpretation guidelines (Richards et al. 2015 PMID: 25741868, with internal and published modifications).